The following is an entry in ClinVar:

NM_001114636.1(FANCL):c.-39A>G

Gene: FANCL (FA complementation group L; minus strand). Cytogenetic location: 2p16.1.
Variant type: single nucleotide variant.
Coding change: c.-39A>G on transcript NM_001114636.1; 39 bases upstream of the start codon, A replaced by G.
Genome position (GRCh38, 1-based): chr2:58,241,352, T>C on the plus strand (A>G on the coding strand, the complement: FANCL is on the minus strand). VCF-style: chr2-58241352-T-C. GRCh37 (hg19) VCF-style: chr2-58468487-T-C.
Other names: c.-39A>G (NM_018062.3).
Identifiers: ClinVar variation 257492 (VCV000257492.11), dbSNP rs41281511, ClinGen allele CA1670886.

ClinVar aggregate classification (germline): Benign/Likely benign. Review status: criteria provided, multiple submitters, no conflicts (2 of 4 stars). 3 submissions from 3 submitters: Benign (2); Likely benign (1). Last evaluated 2019-03-24.

Conditions:
Fanconi anemia complementation group L (FANCL). Also called: FANCL-Related Fanconi Anemia. Identifiers: Orphanet 84, MedGen C3469528, MONDO:0013566, OMIM 614083.

Allele frequency attached by ClinVar (database versions not stated): ESP Exome Variant Server 0.00346; 1000 Genomes Project 0.00639; TOPMed 0.00358; 1000 Genomes Project 30x 0.00593.
gnomAD v4.1: 1,399 of 1,594,122 alleles (0.088%); highest among the groups gnomAD compares: African/African-American, 1.3%; 8 homozygotes.

Submissions (3):

GeneDx
Classification: Likely benign. Last evaluated: 2019-03-24. Review status: criteria provided, single submitter. Criteria: GeneDx Variant Classification Process June 2021. Collection method: clinical testing. Allele origin: germline. Affected: yes.

Illumina Laboratory Services, Illumina
Classification: Benign for Fanconi anemia complementation group L. Last evaluated: 2018-01-13. Review status: criteria provided, single submitter. Criteria: ICSL Variant Classification Criteria 13 December 2019. Collection method: clinical testing. Allele origin: germline.
Comment: This variant was observed in the ICSL laboratory as part of a predisposition screen in an ostensibly healthy population. It had not been previously curated by ICSL or reported in the Human Gene Mutation Database (HGMD: prior to June 1st, 2018), and was therefore a candidate for classification through an automated scoring system. Utilizing variant allele frequency, disease prevalence and penetrance estimates, and inheritance mode, an automated score was calculated to assess if this variant is too frequent to cause the disease. Based on the score and internal cut-off values, a variant classified as benign is not then subjected to further curation. The score for this variant resulted in a classification of benign for this disease.

PreventionGenetics, part of Exact Sciences
Classification: Benign. Review status: criteria provided, single submitter. Criteria: ACMG Guidelines, 2015. Collection method: clinical testing. Allele origin: germline.